The following is an entry in ClinVar:

NM_001792.5(CDH2):c.1781A>G (p.Tyr594Cys)

Gene: CDH2 (cadherin 2; minus strand). Cytogenetic location: 18q12.1.
Variant type: single nucleotide variant.
Coding change: c.1781A>G on transcript NM_001792.5 (MANE Select); coding-DNA position 1781, A replaced by G.
Protein change: p.Tyr594Cys; replaces tyrosine 594 with cysteine.
Molecular consequence: missense variant.
Genome position (GRCh38, 1-based): chr18:27,985,722, T>C on the plus strand (A>G on the coding strand, the complement: CDH2 is on the minus strand). VCF-style: chr18-27985722-T-C. GRCh37 (hg19) VCF-style: chr18-25565686-T-C.
Other names: c.1688A>G, p.Tyr563Cys (NM_001308176.2); short protein forms Y594C, Y563C.
Identifiers: ClinVar variation 3488871 (VCV003488871.3).

ClinVar aggregate classification (germline): Uncertain significance. Review status: criteria provided, multiple submitters, no conflicts (2 of 4 stars). 2 submissions from 2 submitters: Uncertain significance (2). Last evaluated 2025-11-30.

Conditions:
Inborn genetic diseases. Identifiers: MedGen C0950123, MeSH D030342.

gnomAD v4.1: 24 of 1,613,522 alleles (0.0015%); highest among the groups gnomAD compares: East Asian, 0.0022%; no homozygotes.

Submissions (2):

Labcorp Genetics (formerly Invitae), Labcorp
Classification: Uncertain significance. Last evaluated: 2025-11-30. Review status: criteria provided, single submitter. Criteria: Invitae Variant Classification Sherloc (09022015). Collection method: clinical testing. Allele origin: germline.
Comment: This sequence change replaces tyrosine, which is neutral and polar, with cysteine, which is neutral and slightly polar, at codon 594 of the CDH2 protein (p.Tyr594Cys). This variant is present in population databases (rs199833554, gnomAD 0.005%). This variant has not been reported in the literature in individuals affected with CDH2-related conditions. ClinVar contains an entry for this variant (Variation ID: 3488871). An algorithm developed to predict the effect of missense changes on protein structure and function (PolyPhen-2) suggests that this variant is likely to be disruptive. In summary, the available evidence is currently insufficient to determine the role of this variant in disease. Therefore, it has been classified as a Variant of Uncertain Significance.

Ambry Genetics
Classification: Uncertain significance for Inborn genetic diseases. Last evaluated: 2024-11-25. Review status: criteria provided, single submitter. Criteria: Ambry Variant Classification Scheme 2023. Collection method: clinical testing. Allele origin: germline.